The following is an entry in ClinVar:

ClinVar aggregate classification (germline): Pathogenic (1 of 4 stars; one submission).

Submission:

Genetics Laboratory, UDIAT-Centre Diagnòstic, Hospital Universitari Parc Tauli
Classification: Pathogenic. Last evaluated: 2021-04-26. Review status: criteria provided, single submitter. Criteria: Parc Tauli Hospital Assertion Criteria 2021. Collection method: clinical testing. Allele origin: maternal. Inheritance: Autosomal recessive inheritance. Affected: yes. Observed: 1 compound heterozygote.
Comment: PVS1_very strong;PM2_supporting;PP3_supporting

NM_001519.4(BRF1):c.876dup (p.Ser293fs)

Gene: BRF1 (BRF1 general transcription factor IIIB subunit; minus strand). Cytogenetic location: 14q32.33.
Variant type: Duplication.
Coding change: c.876dup on transcript NM_001519.4 (MANE Select); coding-DNA position 876, one base duplicated (C; older notation c.876dupC).
Protein change: p.Ser293fs; shifts the reading frame from serine 293.
Molecular consequence: frameshift variant.
Genome position (GRCh38, 1-based): chr14:105,226,673, G duplicated on the plus strand (C on the coding strand, the reverse complement: BRF1 is on the minus strand); the first of 7 consecutive G bases (chr14:105,226,673-105,226,679); duplicating any one gives the same sequence. VCF-style (leftmost placement, unchanged base first): chr14-105226672-A-AG. GRCh37 (hg19) VCF-style: chr14-105693009-A-AG.
Other names: c.531dup, p.Ser178fs (NM_001242786.2, NM_001242787.2); c.795dup, p.Ser266fs (NM_001242788.2); c.162dup, p.Ser55fs (NM_001242789.2); c.264dup, p.Ser89fs (NM_145685.3); short protein forms S178fs, S266fs, S293fs, S55fs, S89fs.
Identifiers: ClinVar variation 1098377 (VCV001098377.2), dbSNP rs747435524, ClinGen allele CA7387410.
Genomic context (GRCh38, chr14:105,226,672, plus strand): 5'-CAGACACCAAAGCCGGCGCTACCTGCTTCATCCGCAGCTTCCTCTGCCCAGCTGTGTACG[A>AG]GGGGGGGTCGCACTCCTCCTCCAGGTCGATCTTCATGAACTCATCAATGGTCAACTGACT-3'